The following is an entry in ClinVar:

ClinVar aggregate classification (germline): Likely benign. Review status: criteria provided, multiple submitters, no conflicts (2 of 4 stars). 2 submissions from 2 submitters: Likely benign (2). Last evaluated 2025-11-18.

Conditions:
TTN-related disorder. Also called: TTN-related disorders; TTN-related condition; TTN-related disease.
Autosomal recessive limb-girdle muscular dystrophy type 2J (LGMDR10). Also called: Limb-girdle muscular dystrophy, type 2J; MUSCULAR DYSTROPHY, LIMB-GIRDLE, AUTOSOMAL RECESSIVE 10. Identifiers: Orphanet 140922, MedGen C1837342, MONDO:0012127, OMIM 608807.
Dilated cardiomyopathy 1G (CMD1G). Identifiers: Orphanet 154, MedGen C1858763, MONDO:0011400, OMIM 604145.

Allele frequency attached by ClinVar (database versions not stated): ExAC 0.00001; TOPMed 0.00001; gnomAD 0.00002.
gnomAD v4.1: 34 of 1,602,526 alleles (0.0021%); highest among the groups gnomAD compares: South Asian, 0.0034%; no homozygotes.

Submissions (2):

PreventionGenetics, part of Exact Sciences
Classification: Likely benign for TTN-related condition. Last evaluated: 2025-11-18. Review status: criteria provided, single submitter. Criteria: ACMG Guidelines, 2015. Collection method: clinical testing. Allele origin: germline.
Comment: This variant is classified as likely benign based on ACMG/AMP sequence variant interpretation guidelines (Richards et al. 2015 PMID: 25741868, with internal and published modifications).

Labcorp Genetics (formerly Invitae), Labcorp
Classification: Likely benign for Dilated cardiomyopathy 1G; Autosomal recessive limb-girdle muscular dystrophy type 2J. Last evaluated: 2025-07-27. Review status: criteria provided, single submitter. Criteria: Invitae Variant Classification Sherloc (09022015). Collection method: clinical testing. Allele origin: germline.

NM_001267550.2(TTN):c.95119+8T>C

Genes: TTN (titin; minus strand), TTN-AS1 (TTN antisense RNA 1; plus strand). Cytogenetic location: 2q31.2.
Variant type: single nucleotide variant.
Coding change: c.95119+8T>C on transcript NM_001267550.2 (MANE Select); 8 bases into the intron after coding-DNA position 95119, T replaced by C.
Molecular consequence: intron variant.
Genome position (GRCh38, 1-based): chr2:178,546,204, A>G on the plus strand (T>C on the coding strand, the complement: TTN is on the minus strand). VCF-style: chr2-178546204-A-G. GRCh37 (hg19) VCF-style: chr2-179410931-A-G.
Other names: c.67924+8T>C (NM_003319.4); c.68500+8T>C (NM_133437.4); c.68299+8T>C (NM_133432.3); c.87415+8T>C (NM_133378.4); c.90196+8T>C (NM_001256850.1).
Identifiers: ClinVar variation 413188 (VCV000413188.12), dbSNP rs778245729, ClinGen allele CA1987016.